The following is an entry in ClinVar:

NM_000528.4(MAN2B1):c.905C>T (p.Ala302Val)

Gene: MAN2B1 (mannosidase alpha class 2B member 1; minus strand). Cytogenetic location: 19p13.13.
Variant type: single nucleotide variant.
Coding change: c.905C>T on transcript NM_000528.4 (MANE Select); coding-DNA position 905, C replaced by T.
Protein change: p.Ala302Val; replaces alanine 302 with valine.
Molecular consequence: missense variant.
Genome position (GRCh38, 1-based): chr19:12,663,321, G>A on the plus strand (C>T on the coding strand, the complement: MAN2B1 is on the minus strand). VCF-style: chr19-12663321-G-A. GRCh37 (hg19) VCF-style: chr19-12774135-G-A.
Other names: c.905C>T, p.Ala302Val (NM_001173498.2); short protein forms A302V.
Identifiers: ClinVar variation 2178363 (VCV002178363.2), dbSNP rs961621873, ClinGen allele CA305477571.

ClinVar aggregate classification (germline): Uncertain significance (1 of 4 stars; one submission).

Conditions:
Deficiency of alpha-mannosidase (MANSA). Also called: LYSOSOMAL ALPHA-D-MANNOSIDASE DEFICIENCY; Mannosidosis, alpha-, types I and II; Alpha-Mannosidosis. Identifiers: Orphanet 61, MedGen C0024748, MONDO:0009561, OMIM 248500.

gnomAD v4.1: 2 of 1,614,160 alleles (0.00012%); highest among the groups gnomAD compares: Admixed American, 0.0017%; no homozygotes.

Submission:

Labcorp Genetics (formerly Invitae), Labcorp
Classification: Uncertain significance for Deficiency of alpha-mannosidase. Last evaluated: 2025-04-28. Review status: criteria provided, single submitter. Criteria: Invitae Variant Classification Sherloc (09022015). Collection method: clinical testing. Allele origin: germline.
Comment: This sequence change replaces alanine, which is neutral and non-polar, with valine, which is neutral and non-polar, at codon 302 of the MAN2B1 protein (p.Ala302Val). This variant is not present in population databases (gnomAD no frequency). This variant has not been reported in the literature in individuals affected with MAN2B1-related conditions. ClinVar contains an entry for this variant (Variation ID: 2178363). Invitae Evidence Modeling of protein sequence and biophysical properties (such as structural, functional, and spatial information, amino acid conservation, physicochemical variation, residue mobility, and thermodynamic stability) indicates that this missense variant is not expected to disrupt MAN2B1 protein function with a negative predictive value of 95%. In summary, the available evidence is currently insufficient to determine the role of this variant in disease. Therefore, it has been classified as a Variant of Uncertain Significance.